The following is an entry in ClinVar:

ClinVar aggregate classification (germline): Uncertain significance (1 of 4 stars; one submission).

Submission:

Labcorp Genetics (formerly Invitae), Labcorp
Classification: Uncertain significance. Last evaluated: 2024-12-17. Review status: criteria provided, single submitter. Criteria: Invitae Variant Classification Sherloc (09022015). Collection method: clinical testing. Allele origin: germline.
Comment: This sequence change replaces serine, which is neutral and polar, with glycine, which is neutral and non-polar, at codon 2213 of the SON protein (p.Ser2213Gly). This variant is not present in population databases (gnomAD no frequency). This variant has not been reported in the literature in individuals affected with SON-related conditions. Experimental studies and prediction algorithms are not available or were not evaluated, and the functional significance of this variant is currently unknown. In summary, the available evidence is currently insufficient to determine the role of this variant in disease. Therefore, it has been classified as a Variant of Uncertain Significance.

NM_138927.4(SON):c.6637A>G (p.Ser2213Gly)

Gene: SON (SON DNA and RNA binding protein; plus strand). Cytogenetic location: 21q22.11.
Variant type: single nucleotide variant.
Coding change: c.6637A>G on transcript NM_138927.4 (MANE Select); coding-DNA position 6637, A replaced by G.
Protein change: p.Ser2213Gly; replaces serine 2213 with glycine.
Molecular consequence: missense variant. On other transcripts: non-coding transcript variant (1).
Genome position (GRCh38, 1-based): chr21:33,559,755, A>G. VCF-style: chr21-33559755-A-G. GRCh37 (hg19) VCF-style: chr21-34932061-A-G.
Other names: c.721A>G, p.Ser241Gly (NM_001291412.3); c.6637A>G, p.Ser2213Gly (NM_032195.3); short protein forms S2213G, S241G.
Identifiers: ClinVar variation 3616909 (VCV003616909.2).